The following is an entry in ClinVar:

NM_003242.6(TGFBR2):c.1110G>C (p.Arg370Ser)

Gene: TGFBR2 (transforming growth factor beta receptor 2; plus strand). Cytogenetic location: 3p24.1.
Variant type: single nucleotide variant.
Coding change: c.1110G>C on transcript NM_003242.6 (MANE Select); coding-DNA position 1110, G replaced by C.
Protein change: p.Arg370Ser; replaces arginine 370 with serine.
Molecular consequence: missense variant.
Genome position (GRCh38, 1-based): chr3:30,672,293, G>C. VCF-style: chr3-30672293-G-C. GRCh37 (hg19) VCF-style: chr3-30713785-G-C.
Other names: c.1185G>C, p.Arg395Ser (NM_001024847.3); c.1293G>C, p.Arg431Ser (NM_001407126.1); c.1218G>C, p.Arg406Ser (NM_001407127.1); c.1137G>C, p.Arg379Ser (NM_001407128.1); c.1113G>C, p.Arg371Ser (NM_001407129.1); c.1110G>C, p.Arg370Ser (NM_001407130.1); c.1005G>C, p.Arg335Ser (NM_001407132.1, NM_001407133.1, NM_001407134.1 and 2 more transcripts); c.825G>C, p.Arg275Ser (NM_001407137.1); and 1 more; short protein forms R371S, R250S, R370S, R379S, R406S, R431S, R275S, R335S.
Identifiers: ClinVar variation 1795117 (VCV001795117.2), dbSNP rs2470563351, ClinGen allele CA351808557.

ClinVar aggregate classification (germline): Uncertain significance (1 of 4 stars; one submission).

Conditions:
Familial thoracic aortic aneurysm and aortic dissection (TAAD). Also called: Thoracic aortic aneurysms and dissections. Identifiers: Orphanet 91387, MedGen C4707243, MONDO:0019625.

Submission:

Ambry Genetics
Classification: Uncertain significance for Familial thoracic aortic aneurysm and aortic dissection. Last evaluated: 2022-10-27. Review status: criteria provided, single submitter. Criteria: Ambry Variant Classification Scheme 2023. Collection method: clinical testing. Allele origin: germline.
Comment: The p.R370S variant (also known as c.1110G>C), located in coding exon 4 of the TGFBR2 gene, results from a G to C substitution at nucleotide position 1110. The arginine at codon 370 is replaced by serine, an amino acid with dissimilar properties. This amino acid position is conserved. In addition, the in silico prediction for this alteration is inconclusive. Since supporting evidence is limited at this time, the clinical significance of this alteration remains unclear.